The following is an entry in ClinVar:

NM_000572.3(IL10):c.534C>G (p.Asn178Lys)

Gene: IL10 (interleukin 10; minus strand). Cytogenetic location: 1q32.1.
Variant type: single nucleotide variant.
Coding change: c.534C>G on transcript NM_000572.3 (MANE Select); coding-DNA position 534, C replaced by G.
Protein change: p.Asn178Lys; replaces asparagine 178 with lysine.
Molecular consequence: missense variant. On other transcripts: non-coding transcript variant (2).
Genome position (GRCh38, 1-based): chr1:206,768,639, G>C on the plus strand (C>G on the coding strand, the complement: IL10 is on the minus strand). VCF-style: chr1-206768639-G-C. GRCh37 (hg19) VCF-style: chr1-206941984-G-C.
Other names: c.279C>G, p.Asn93Lys (NM_001382624.1); short protein forms N178K, N93K.
Identifiers: ClinVar variation 1349359 (VCV001349359.6), dbSNP rs771277922, ClinGen allele CA344481531.

ClinVar aggregate classification (germline): Uncertain significance (1 of 4 stars; one submission).

Conditions:
Inflammatory bowel disease. Identifiers: Orphanet 104012, MedGen C0021390, MONDO:0005265, HP:0002037.

Submission:

Labcorp Genetics (formerly Invitae), Labcorp
Classification: Uncertain significance for Inflammatory bowel disease. Last evaluated: 2022-10-18. Review status: criteria provided, single submitter. Criteria: Invitae Variant Classification Sherloc (09022015). Collection method: clinical testing. Allele origin: germline.
Comment: In summary, the available evidence is currently insufficient to determine the role of this variant in disease. Therefore, it has been classified as a Variant of Uncertain Significance. Algorithms developed to predict the effect of missense changes on protein structure and function output the following: SIFT: "Tolerated"; PolyPhen-2: "Benign"; Align-GVGD: "Class C0". The lysine amino acid residue is found in multiple mammalian species, which suggests that this missense change does not adversely affect protein function. ClinVar contains an entry for this variant (Variation ID: 1349359). This variant has not been reported in the literature in individuals affected with IL10-related conditions. This variant is not present in population databases (gnomAD no frequency). This sequence change replaces asparagine, which is neutral and polar, with lysine, which is basic and polar, at codon 178 of the IL10 protein (p.Asn178Lys).